The following is an entry in ClinVar:

NM_173551.5(ANKS6):c.354G>A (p.Ala118=)

Gene: ANKS6 (ankyrin repeat and sterile alpha motif domain containing 6; minus strand). Cytogenetic location: 9q22.33.
Variant type: single nucleotide variant.
Coding change: c.354G>A on transcript NM_173551.5 (MANE Select); coding-DNA position 354, G replaced by A.
Protein change: p.Ala118=; no amino-acid change (alanine 118 retained).
Molecular consequence: synonymous variant.
Genome position (GRCh38, 1-based): chr9:98,796,138, C>T on the plus strand (G>A on the coding strand, the complement: ANKS6 is on the minus strand). VCF-style: chr9-98796138-C-T. GRCh37 (hg19) VCF-style: chr9-101558420-C-T.
Identifiers: ClinVar variation 1105371 (VCV001105371.12), dbSNP rs980440912, ClinGen allele CA196829238.

ClinVar aggregate classification (germline): Likely benign. Review status: criteria provided, multiple submitters, no conflicts (2 of 4 stars). 4 submissions from 4 submitters: Likely benign (4). Last evaluated 2026-07-01.

Conditions:
Nephronophthisis 16 (NPHP16). Identifiers: Orphanet 655, MedGen C3809320, MONDO:0014158, OMIM 615382.

Allele frequency attached by ClinVar (database versions not stated): TOPMed 0.00005; gnomAD 0.00008 and 0.00009; gnomAD exomes 0.00008.
gnomAD v4.1: 40 of 1,378,958 alleles (0.0029%); highest among the groups gnomAD compares: African/African-American, 0.036%; no homozygotes.

Submissions (4):

CeGaT Center for Human Genetics Tuebingen
Classification: Likely benign. Last evaluated: 2026-07-01. Review status: criteria provided, single submitter. Criteria: CeGaT Center For Human Genetics Tuebingen Variant Classification Criteria Version 2. Collection method: clinical testing. Allele origin: germline. Affected: yes. Observed: 1 variant allele.
Comment: ANKS6: BP4, BP7

Labcorp Genetics (formerly Invitae), Labcorp
Classification: Likely benign for Nephronophthisis 16. Last evaluated: 2025-12-22. Review status: criteria provided, single submitter. Criteria: Invitae Variant Classification Sherloc (09022015). Collection method: clinical testing. Allele origin: germline.

Fulgent Genetics
Classification: Likely benign for Nephronophthisis 16. Last evaluated: 2021-12-09. Review status: criteria provided, single submitter. Criteria: ACMG Guidelines, 2015. Collection method: clinical testing. Allele origin: unknown.

Blueprint Genetics
Classification: Likely benign. Last evaluated: 2021-06-01. Review status: criteria provided, single submitter. Criteria: ACMG Guidelines, 2015. Collection method: clinical testing. Allele origin: germline.